The following is an entry in ClinVar:

NM_001288705.3(CSF1R):c.1620T>A (p.Tyr540Ter)

Gene: CSF1R (colony stimulating factor 1 receptor; minus strand). Cytogenetic location: 5q32.
Variant type: single nucleotide variant.
Coding change: c.1620T>A on transcript NM_001288705.3 (MANE Select); coding-DNA position 1620, T replaced by A.
Protein change: p.Tyr540Ter; replaces tyrosine 540 with a stop codon.
Molecular consequence: nonsense. On other transcripts: non-coding transcript variant (2).
Genome position (GRCh38, 1-based): chr5:150,068,221, A>T on the plus strand (T>A on the coding strand, the complement: CSF1R is on the minus strand). VCF-style: chr5-150068221-A-T. GRCh37 (hg19) VCF-style: chr5-149447784-A-T.
Other names: c.1620T>A, p.Tyr540Ter (NM_001349736.2, NM_001375320.1, NM_005211.4); c.1176T>A, p.Tyr392Ter (NM_001375321.1); short protein forms Y392*, Y540*.
Identifiers: ClinVar variation 1029946 (VCV001029946.3), dbSNP rs1757862455, ClinGen allele CA361717655.

ClinVar aggregate classification (germline): Pathogenic. Review status: criteria provided, multiple submitters, no conflicts (2 of 4 stars). 2 submissions from 2 submitters: Pathogenic (2). Last evaluated 2024-03-17.

Conditions:
Brain abnormalities, neurodegeneration, and dysosteosclerosis. Identifiers: MedGen C5193117, MONDO:0032772, OMIM 618476.

Submissions (2):

Genomic Medicine Center of Excellence, King Faisal Specialist Hospital and Research Centre
Classification: Pathogenic for Brain abnormalities, neurodegeneration, and dysosteosclerosis. Last evaluated: 2024-03-17. Review status: criteria provided, single submitter. Criteria: ACMG Guidelines, 2015. Collection method: research. Allele origin: germline.

Baylor Genetics
Classification: Pathogenic for Brain abnormalities, neurodegeneration, and dysosteosclerosis. Last evaluated: 2020-05-05. Review status: criteria provided, single submitter. Criteria: ACMG Guidelines, 2015. Collection method: clinical testing. Allele origin: unknown. Affected: yes.
Comment: This variant was determined to be pathogenic according to ACMG Guidelines, 2015 [PMID:25741868].